The following is an entry in ClinVar:

NM_004364.5(CEBPA):c.808G>A (p.Gly270Ser)

Gene: CEBPA (CCAAT enhancer binding protein alpha; minus strand). Cytogenetic location: 19q13.11.
Variant type: single nucleotide variant.
Coding change: c.808G>A on transcript NM_004364.5 (MANE Select); coding-DNA position 808, G replaced by A.
Protein change: p.Gly270Ser; replaces glycine 270 with serine.
Molecular consequence: missense variant.
Genome position (GRCh38, 1-based): chr19:33,301,607, C>T on the plus strand (G>A on the coding strand, the complement: CEBPA is on the minus strand). VCF-style: chr19-33301607-C-T. GRCh37 (hg19) VCF-style: chr19-33792513-C-T.
Other names: c.451G>A, p.Gly151Ser (NM_001285829.2); c.913G>A, p.Gly305Ser (NM_001287424.2); c.766G>A, p.Gly256Ser (NM_001287435.2); short protein forms G270S, G151S, G256S, G305S.
Identifiers: ClinVar variation 2813551 (VCV002813551.4), dbSNP rs2513329055, ClinGen allele CA405274172.

ClinVar aggregate classification (germline): Uncertain significance. Review status: criteria provided, multiple submitters, no conflicts (2 of 4 stars). 2 submissions from 2 submitters: Uncertain significance (2). Last evaluated 2025-11-09.

Conditions:
Inborn genetic diseases. Identifiers: MedGen C0950123, MeSH D030342.
Acute myeloid leukemia (AML). Also called: Acute myeloid leukemia, adult; AML adult; Acute non-lymphocytic leukemia; Acute granulocytic leukemia; Leukemia, acute myeloid, somatic; Leukemia, acute myelogenous, somatic. Identifiers: Orphanet 519, MedGen C0023467, MeSH D015470, MONDO:0018874, OMIM 601626, HP:0004808. Disease mechanism: Constitutively activated FLT3.

Submissions (2):

Ambry Genetics
Classification: Uncertain significance for Inborn genetic diseases. Last evaluated: 2025-11-09. Review status: criteria provided, single submitter. Criteria: Ambry Variant Classification Scheme 2023. Collection method: clinical testing. Allele origin: germline.
Comment: The p.G270S variant (also known as c.808G>A), located in coding exon 1 of the CEBPA gene, results from a G to A substitution at nucleotide position 808. The glycine at codon 270 is replaced by serine, an amino acid with similar properties. This amino acid position is conserved. In addition, this alteration is predicted to be tolerated by in silico analysis. Based on the available evidence, the clinical significance of this variant remains unclear.

Labcorp Genetics (formerly Invitae), Labcorp
Classification: Uncertain significance for Acute myeloid leukemia. Last evaluated: 2022-11-10. Review status: criteria provided, single submitter. Criteria: Invitae Variant Classification Sherloc (09022015). Collection method: clinical testing. Allele origin: germline.
Comment: In summary, the available evidence is currently insufficient to determine the role of this variant in disease. Therefore, it has been classified as a Variant of Uncertain Significance. Advanced modeling of protein sequence and biophysical properties (such as structural, functional, and spatial information, amino acid conservation, physicochemical variation, residue mobility, and thermodynamic stability) performed at Invitae indicates that this missense variant is not expected to disrupt CEBPA protein function. This variant has not been reported in the literature in individuals affected with CEBPA-related conditions. This variant is not present in population databases (gnomAD no frequency). This sequence change replaces glycine, which is neutral and non-polar, with serine, which is neutral and polar, at codon 270 of the CEBPA protein (p.Gly270Ser).